The following is an entry in ClinVar:

ClinVar aggregate classification (germline): Uncertain significance (1 of 4 stars; one submission).

Submission:

Ambry Genetics
Classification: Uncertain significance. Last evaluated: 2024-06-18. Review status: criteria provided, single submitter. Criteria: Ambry Variant Classification Scheme 2023. Collection method: clinical testing. Allele origin: germline.
Comment: The p.T686S variant (also known as c.2056A>T), located in coding exon 4 of the ALPK2 gene, results from an A to T substitution at nucleotide position 2056. The threonine at codon 686 is replaced by serine, an amino acid with similar properties. This amino acid position is conserved. In addition, this alteration is predicted to be tolerated by in silico analysis. Since supporting evidence is limited at this time, the clinical significance of this alteration remains unclear.

NM_052947.4(ALPK2):c.2056A>T (p.Thr686Ser)

Gene: ALPK2 (alpha kinase 2; minus strand). Cytogenetic location: 18q21.31.
Variant type: single nucleotide variant.
Coding change: c.2056A>T on transcript NM_052947.4 (MANE Select); coding-DNA position 2056, A replaced by T.
Protein change: p.Thr686Ser; replaces threonine 686 with serine.
Molecular consequence: missense variant.
Genome position (GRCh38, 1-based): chr18:58,538,131, T>A on the plus strand (A>T on the coding strand, the complement: ALPK2 is on the minus strand). VCF-style: chr18-58538131-T-A. GRCh37 (hg19) VCF-style: chr18-56205363-T-A.
Other names: short protein forms T686S.
Identifiers: ClinVar variation 1785133 (VCV001785133.3), dbSNP rs2518878164, ClinGen allele CA402571802.